The following is an entry in ClinVar:

NM_004360.5(CDH1):c.1565+4dup

Gene: CDH1 (cadherin 1; plus strand). Cytogenetic location: 16q22.1.
Variant type: Duplication.
Coding change: c.1565+4dup on transcript NM_004360.5 (MANE Select); 4 bases into the intron after coding-DNA position 1565, one base duplicated (A; older notation c.1565+4dupA).
Molecular consequence: intron variant.
Genome position (GRCh38, 1-based): chr16:68,815,763, A duplicated; the last of 2 consecutive A bases (chr16:68,815,762-68,815,763); duplicating either gives the same sequence. VCF-style (leftmost placement, unchanged base first): chr16-68815761-T-TA. GRCh37 (hg19) VCF-style: chr16-68849664-T-TA.
Other names: c.17+4dup (NM_001317185.2); c.-255+4dup (NM_001317186.2); c.1382+4dup (NM_001317184.2).
Identifiers: ClinVar variation 3364372 (VCV003364372.1).

ClinVar aggregate classification (germline): Uncertain significance (1 of 4 stars; one submission).

Submission:

GeneDx
Classification: Uncertain significance. Last evaluated: 2023-11-21. Review status: criteria provided, single submitter. Criteria: GeneDx Variant Classification Process June 2021. Collection method: clinical testing. Allele origin: germline. Affected: yes.
Comment: Not observed at significant frequency in large population cohorts (gnomAD); Has not been previously published as pathogenic or benign to our knowledge; In silico analysis is inconclusive as to whether the variant alters gene splicing. In the absence of RNA/functional studies, the actual effect of this sequence change is unknown.